The following is an entry in ClinVar:

ClinVar aggregate classification (germline): Likely benign (0 of 4 stars; one submission).

Conditions:
MECOM-related disorder. Also called: MECOM-related condition.

gnomAD v4.1: 89 of 1,613,744 alleles (0.0055%); highest among the groups gnomAD compares: Non-Finnish European, 0.0072%; no homozygotes.

Submission:

PreventionGenetics, part of Exact Sciences
Classification: Likely benign for MECOM-related condition. Last evaluated: 2024-06-06. Review status: no assertion criteria provided. Collection method: clinical testing. Allele origin: germline.
Comment: This variant is classified as likely benign based on ACMG/AMP sequence variant interpretation guidelines (Richards et al. 2015 PMID: 25741868, with internal and published modifications).

NM_004991.4(MECOM):c.183T>C (p.Gly61=)

Gene: MECOM (MDS1 and EVI1 complex locus; minus strand). Cytogenetic location: 3q26.2.
Variant type: single nucleotide variant.
Coding change: c.183T>C on transcript NM_004991.4 (MANE Select); coding-DNA position 183, T replaced by C.
Protein change: p.Gly61=; no amino-acid change (glycine 61 retained).
Molecular consequence: synonymous variant. On other transcripts: intron variant (1).
Genome position (GRCh38, 1-based): chr3:169,381,379, A>G on the plus strand (T>C on the coding strand, the complement: MECOM is on the minus strand). VCF-style: chr3-169381379-A-G. GRCh37 (hg19) VCF-style: chr3-169099167-A-G.
Other names: c.183T>C, p.Gly61= (NM_001366466.2, NM_001366473.2); c.-189-237547T>C (NM_001205194.2).
Identifiers: ClinVar variation 3352771 (VCV003352771.1).